The following is an entry in ClinVar:

NM_003002.4(SDHD):c.110A>T (p.Asp37Val)

Gene: SDHD (succinate dehydrogenase complex subunit D; plus strand). Cytogenetic location: 11q23.1.
Variant type: single nucleotide variant.
Coding change: c.110A>T on transcript NM_003002.4 (MANE Select); coding-DNA position 110, A replaced by T.
Protein change: p.Asp37Val; replaces aspartic acid 37 with valine.
Molecular consequence: missense variant. On other transcripts: non-coding transcript variant (1), intron variant (1).
Genome position (GRCh38, 1-based): chr11:112,087,914, A>T. VCF-style: chr11-112087914-A-T. GRCh37 (hg19) VCF-style: chr11-111958638-A-T.
Other names: c.110A>T, p.Asp37Val (NM_001276503.2, NM_001276506.2); c.53-953A>T (NM_001276504.2); c.110A>T (NM_003002.2); short protein forms D37V.
Identifiers: ClinVar variation 940748 (VCV000940748.14), dbSNP rs1865654258, ClinGen allele CA382617013.

ClinVar aggregate classification (germline): Conflicting classifications of pathogenicity. Review status: criteria provided, conflicting classifications (1 of 4 stars). 2 submissions from 2 submitters: Likely pathogenic (1); Uncertain significance (1). Last evaluated 2026-04-13.

Conditions:
Paragangliomas with sensorineural hearing loss. Identifiers: MedGen C1868633.
Carney-Stratakis syndrome. Also called: PARAGANGLIOMA AND GASTROINTESTINAL STROMAL TUMOR. Identifiers: Orphanet 97286, MedGen C1847319, MONDO:0011740, OMIM 606864.
Cowden syndrome 3 (CWS3). Identifiers: Orphanet 201, MedGen CN166604, MONDO:0014045.
Pheochromocytoma. Also called: MAX-Related Hereditary Paraganglioma-Pheochromocytoma Syndrome. Identifiers: Orphanet 29072, MedGen C0031511, MONDO:0008233, OMIM 171300, HP:0002666.
Hereditary cancer-predisposing syndrome. Also called: Hereditary Cancer Syndrome; Neoplastic Syndromes, Hereditary; Tumor predisposition; Hereditary neoplastic syndrome. Identifiers: Orphanet 140162, MedGen C0027672, MeSH D009386, MONDO:0015356.

Submissions (2):

Ambry Genetics
Classification: Likely pathogenic for Hereditary cancer-predisposing syndrome. Last evaluated: 2026-04-13. Review status: criteria provided, single submitter. Criteria: Ambry Variant Classification Scheme 2023. Collection method: clinical testing. Allele origin: germline.
Comment: The c.110A>T variant (also known as p.D37V), located in coding exon 2 of the SDHD gene, results from an A to T substitution at nucleotide position 110. The aspartic acid at codon 37 is replaced by valine, an amino acid with highly dissimilar properties. In silico splice site analysis predicts that this alteration may weaken the native splice acceptor site. RNA studies have demonstrated that this variant results in abnormal splicing in the set of samples tested (Ambry internal data). This nucleotide position is highly conserved in available vertebrate species. This amino acid position is highly conserved in available vertebrate species. In addition, as a missense, this alteration is predicted to be deleterious by in silico analysis. This variant is considered to be rare based on population cohorts in the Genome Aggregation Database (gnomAD). Based on the majority of available evidence to date, this variant is likely to be pathogenic.

Labcorp Genetics (formerly Invitae), Labcorp
Classification: Uncertain significance for Carney-Stratakis syndrome; Paragangliomas with sensorineural hearing loss; Pheochromocytoma; Cowden syndrome 3. Last evaluated: 2025-10-13. Review status: criteria provided, single submitter. Criteria: Invitae Variant Classification Sherloc (09022015). Collection method: clinical testing. Allele origin: germline.
Comment: This sequence change replaces aspartic acid, which is acidic and polar, with valine, which is neutral and non-polar, at codon 37 of the SDHD protein (p.Asp37Val). This variant is not present in population databases (gnomAD no frequency). This variant has not been reported in the literature in individuals affected with SDHD-related conditions. ClinVar contains an entry for this variant (Variation ID: 940748). Invitae Evidence Modeling of protein sequence and biophysical properties (such as structural, functional, and spatial information, amino acid conservation, physicochemical variation, residue mobility, and thermodynamic stability) indicates that this missense variant is not expected to disrupt SDHD protein function with a negative predictive value of 80%. Algorithms developed to predict the effect of sequence changes on RNA splicing suggest that this variant may disrupt the consensus splice site. In summary, the available evidence is currently insufficient to determine the role of this variant in disease. Therefore, it has been classified as a Variant of Uncertain Significance.